The following is an entry in ClinVar:

ClinVar aggregate classification (germline): Uncertain significance (1 of 4 stars; one submission).

Conditions:
Hereditary cancer-predisposing syndrome. Also called: Tumor predisposition; Hereditary Cancer Syndrome; Neoplastic Syndromes, Hereditary; Hereditary neoplastic syndrome. Identifiers: Orphanet 140162, MedGen C0027672, MeSH D009386, MONDO:0015356.

Submission:

Ambry Genetics
Classification: Uncertain significance for Hereditary cancer-predisposing syndrome. Last evaluated: 2022-09-28. Review status: criteria provided, single submitter. Criteria: Ambry Variant Classification Scheme 2023. Collection method: clinical testing. Allele origin: germline.
Comment: The p.V86D variant (also known as c.257T>A), located in coding exon 2 of the BLM gene, results from a T to A substitution at nucleotide position 257. The valine at codon 86 is replaced by aspartic acid, an amino acid with highly dissimilar properties. This amino acid position is poorly conserved in available vertebrate species. In addition, this alteration is predicted to be tolerated by in silico analysis. Since supporting evidence is limited at this time, the clinical significance of this alteration remains unclear.

NM_000057.4(BLM):c.257T>A (p.Val86Asp)

Gene: BLM (BLM RecQ like helicase; plus strand). Cytogenetic location: 15q26.1.
Variant type: single nucleotide variant.
Coding change: c.257T>A on transcript NM_000057.4 (MANE Select); coding-DNA position 257, T replaced by A.
Protein change: p.Val86Asp; replaces valine 86 with aspartic acid.
Molecular consequence: missense variant. On other transcripts: 5 prime UTR variant (1).
Genome position (GRCh38, 1-based): chr15:90,749,525, T>A. VCF-style: chr15-90749525-T-A. GRCh37 (hg19) VCF-style: chr15-91292755-T-A.
Other names: c.257T>A, p.Val86Asp (NM_001287246.2, NM_001287247.2); c.-1035T>A (NM_001287248.2); short protein forms V86D.
Identifiers: ClinVar variation 1793361 (VCV001793361.2), dbSNP rs2151146965, ClinGen allele CA393840011.